The following is an entry in ClinVar:

ClinVar aggregate classification (germline): Uncertain significance (1 of 4 stars; one submission).

Conditions:
Intellectual developmental disorder, X-linked, syndromic, Hedera type. Also called: Syndromic X-linked intellectual disability Hedera type. Identifiers: Orphanet 93952, MedGen C1845543, MONDO:0010319, OMIM 300423.

Allele frequency attached by ClinVar (database versions not stated): gnomAD exomes 0.00001.

Submission:

Labcorp Genetics (formerly Invitae), Labcorp
Classification: Uncertain significance for Intellectual developmental disorder, X-linked, syndromic, Hedera type. Last evaluated: 2019-10-12. Review status: criteria provided, single submitter. Criteria: Invitae Variant Classification Sherloc (09022015). Collection method: clinical testing. Allele origin: germline.
Comment: In summary, the available evidence is currently insufficient to determine the role of this variant in disease. Therefore, it has been classified as a Variant of Uncertain Significance. Algorithms developed to predict the effect of missense changes on protein structure and function output the following: SIFT: "Tolerated"; PolyPhen-2: "Benign"; Align-GVGD: "Class C0". The alanine amino acid residue is found in multiple mammalian species, suggesting that this missense change does not adversely affect protein function. These predictions have not been confirmed by published functional studies and their clinical significance is uncertain. This variant has not been reported in the literature in individuals with ATP6AP2-related conditions. This variant is not present in population databases (ExAC no frequency). This sequence change replaces valine with alanine at codon 143 of the ATP6AP2 protein (p.Val143Ala). The valine residue is highly conserved and there is a small physicochemical difference between valine and alanine.

NM_005765.3(ATP6AP2):c.428T>C (p.Val143Ala)

Gene: ATP6AP2 (ATPase H+ transporting accessory protein 2; plus strand). Cytogenetic location: Xp11.4.
Variant type: single nucleotide variant.
Coding change: c.428T>C on transcript NM_005765.3 (MANE Select); coding-DNA position 428, T replaced by C.
Protein change: p.Val143Ala; replaces valine 143 with alanine.
Molecular consequence: missense variant.
Genome position (GRCh38, 1-based): chrX:40,597,558, T>C. VCF-style: chrX-40597558-T-C. GRCh37 (hg19) VCF-style: chrX-40456810-T-C.
Other names: short protein forms V143A.
Identifiers: ClinVar variation 970898 (VCV000970898.10), dbSNP rs1926802970, ClinGen allele CA412755643.